The following is an entry in ClinVar:

ClinVar aggregate classification (germline): Pathogenic/Likely pathogenic. Review status: criteria provided, multiple submitters, no conflicts (2 of 4 stars). 3 submissions from 3 submitters: Pathogenic (2); Likely pathogenic (1). Last evaluated 2025-12-23.

Conditions:
NDP-related disorders.
Retinal dystrophy. Also called: Inherited retinal dystrophy. Identifiers: Orphanet 71862, MedGen C0854723, MeSH D058499, MONDO:0019118, HP:0000556.

Submissions (3):

Labcorp Genetics (formerly Invitae), Labcorp
Classification: Pathogenic. Last evaluated: 2025-12-23. Review status: criteria provided, single submitter. Criteria: Invitae Variant Classification Sherloc (09022015). Collection method: clinical testing. Allele origin: germline.
Comment: This sequence change replaces lysine, which is basic and polar, with asparagine, which is neutral and polar, at codon 54 of the NDP protein (p.Lys54Asn). This variant is not present in population databases (gnomAD no frequency). This missense change has been observed in individual(s) with familial exudative vitreoretinopathy (PMID: 17325173, 19324841). It has also been observed to segregate with disease in related individuals. ClinVar contains an entry for this variant (Variation ID: 3248708). Invitae Evidence Modeling of protein sequence and biophysical properties (such as structural, functional, and spatial information, amino acid conservation, physicochemical variation, residue mobility, and thermodynamic stability) has been performed for this missense variant. However, the output from this modeling did not meet the statistical confidence thresholds required to predict the impact of this variant on NDP protein function. Experimental studies have shown that this missense change affects NDP function (PMID: 17955262). For these reasons, this variant has been classified as Pathogenic.

Blueprint Genetics
Classification: Likely pathogenic for NDP-related disorders. Last evaluated: 2024-04-11. Review status: criteria provided, single submitter. Criteria: ACMG Guidelines, 2015. Collection method: clinical testing. Allele origin: germline. Affected: yes. Observed: 2 variant alleles.

Institute of Human Genetics, Univ. Regensburg, Univ. Regensburg
Classification: Pathogenic for Retinal dystrophy. Last evaluated: 2019-01-01. Review status: criteria provided, single submitter. Criteria: ACMG Guidelines, 2015. Collection method: clinical testing. Allele origin: germline. Affected: yes.

Literature cited by the submitters: PubMed 17325173 (cited by Labcorp Genetics (formerly Invitae), Labcorp); PubMed 19324841 (cited by Labcorp Genetics (formerly Invitae), Labcorp); PubMed 17955262 (cited by Labcorp Genetics (formerly Invitae), Labcorp and Institute of Human Genetics, Univ. Regensburg, Univ. Regensburg); PubMed 32141364 (cited by Institute of Human Genetics, Univ. Regensburg, Univ. Regensburg).

NM_000266.4(NDP):c.162G>C (p.Lys54Asn)

Genes: NDP (norrin cystine knot growth factor NDP; minus strand), NDP-AS1 (NDP antisense RNA 1; plus strand). Cytogenetic location: Xp11.3.
Variant type: single nucleotide variant.
Coding change: c.162G>C on transcript NM_000266.4 (MANE Select); coding-DNA position 162, G replaced by C.
Protein change: p.Lys54Asn; replaces lysine 54 with asparagine.
Molecular consequence: missense variant.
Genome position (GRCh38, 1-based): chrX:43,958,484, C>G on the plus strand (G>C on the coding strand, the complement: NDP is on the minus strand). VCF-style: chrX-43958484-C-G. GRCh37 (hg19) VCF-style: chrX-43817730-C-G.
Other names: short protein forms K54N.
Identifiers: ClinVar variation 3248708 (VCV003248708.3).